The following is an entry in ClinVar:

NM_020832.3(ZNF687):c.2514C>G (p.His838Gln)

Gene: ZNF687 (zinc finger protein 687; plus strand). Cytogenetic location: 1q21.3.
Variant type: single nucleotide variant.
Coding change: c.2514C>G on transcript NM_020832.3 (MANE Select); coding-DNA position 2514, C replaced by G.
Protein change: p.His838Gln; replaces histidine 838 with glutamine.
Molecular consequence: missense variant.
Genome position (GRCh38, 1-based): chr1:151,289,420, C>G. VCF-style: chr1-151289420-C-G. GRCh37 (hg19) VCF-style: chr1-151261896-C-G.
Other names: c.2514C>G, p.His838Gln (NM_001304763.2, NM_001304764.2); short protein forms H838Q.
Identifiers: ClinVar variation 2987331 (VCV002987331.3), dbSNP rs1694099306, ClinGen allele CA341951939.
Genomic context (GRCh38, chr1:151,289,420, plus strand): 5'-GCACTGTCCTCACTTCAGGCTGATCTACAAGTGCGCCATGTGCGACACAGTCTTCACTCA[C>G]AAACCCCTCCTCTCCTCACACTTCGACCAGCACTTGCTGCCCCAGCGTGTCAGTGTCTTT-3'
Protein context (NP_065883.1, residues 828-848): KCAMCDTVFT[His838Gln]KPLLSSHFDQ

ClinVar aggregate classification (germline): Uncertain significance (1 of 4 stars; one submission).

gnomAD v4.1: 4 of 1,614,194 alleles (0.00025%); highest among the groups gnomAD compares: South Asian, 0.0044%; no homozygotes.

Submission:

Labcorp Genetics (formerly Invitae), Labcorp
Classification: Uncertain significance. Last evaluated: 2023-03-19. Review status: criteria provided, single submitter. Criteria: Invitae Variant Classification Sherloc (09022015). Collection method: clinical testing. Allele origin: germline.
Comment: This sequence change replaces histidine, which is basic and polar, with glutamine, which is neutral and polar, at codon 838 of the ZNF687 protein (p.His838Gln). This variant is not present in population databases (gnomAD no frequency). This variant has not been reported in the literature in individuals affected with ZNF687-related conditions. An algorithm developed to predict the effect of missense changes on protein structure and function (PolyPhen-2) suggests that this variant is likely to be tolerated. Algorithms developed to predict the effect of sequence changes on RNA splicing suggest that this variant may disrupt the consensus splice site. In summary, the available evidence is currently insufficient to determine the role of this variant in disease. Therefore, it has been classified as a Variant of Uncertain Significance.